The following is an entry in ClinVar:

NM_001042492.3(NF1):c.1846-16A>G

Gene: NF1 (neurofibromin 1; plus strand). Cytogenetic location: 17q11.2.
Variant type: single nucleotide variant.
Coding change: c.1846-16A>G on transcript NM_001042492.3 (MANE Select); 16 bases into the intron before coding-DNA position 1846, A replaced by G.
Molecular consequence: intron variant.
Genome position (GRCh38, 1-based): chr17:31,225,079, A>G. VCF-style: chr17-31225079-A-G. GRCh37 (hg19) VCF-style: chr17-29552097-A-G.
Other names: c.1846-16A>G (NM_000267.4).
Identifiers: ClinVar variation 1594849 (VCV001594849.9), dbSNP rs373859084, ClinGen allele CA8485869.

ClinVar aggregate classification (germline): Likely benign. Review status: criteria provided, multiple submitters, no conflicts (2 of 4 stars). 2 submissions from 2 submitters: Likely benign (2). Last evaluated 2026-09-22.

Conditions:
Neurofibromatosis, type 1 (NF1). Also called: NEUROFIBROMATOSIS, TYPE I, SOMATIC; Neurofibromatosis, type I; VON RECKLINGHAUSEN DISEASE; Peripheral type neurofibromatosis. Identifiers: Orphanet 636, MedGen C0027831, MONDO:0018975, OMIM 162200. Disease mechanism: loss of function.

Allele frequency attached by ClinVar (database versions not stated): gnomAD exomes below 0.00001; TOPMed below 0.00001; ExAC 0.00001; gnomAD 0.00001; ESP Exome Variant Server 0.00008.
gnomAD v4.1: 4 of 1,612,676 alleles (0.00025%); highest among the groups gnomAD compares: African/African-American, 0.0027%; no homozygotes.

Submissions (2):

Myriad Genetics, Inc.
Classification: Likely benign for Neurofibromatosis, type 1. Last evaluated: 2026-09-22. Review status: criteria provided, single submitter. Criteria: Myriad Autosomal Dominant, Autosomal Recessive and X-Linked Classification Criteria (2023). Collection method: clinical testing. Allele origin: unknown.
Comment: This variant is considered likely benign. This variant is intronic and is not expected to impact mRNA splicing.

Labcorp Genetics (formerly Invitae), Labcorp
Classification: Likely benign for Neurofibromatosis, type 1. Last evaluated: 2024-09-12. Review status: criteria provided, single submitter. Criteria: Invitae Variant Classification Sherloc (09022015). Collection method: clinical testing. Allele origin: germline.